The following is an entry in ClinVar:

NM_000384.3(APOB):c.2833G>T (p.Val945Phe)

Gene: APOB (apolipoprotein B; minus strand). Cytogenetic location: 2p24.1.
Variant type: single nucleotide variant.
Coding change: c.2833G>T on transcript NM_000384.3 (MANE Select); coding-DNA position 2833, G replaced by T.
Protein change: p.Val945Phe; replaces valine 945 with phenylalanine.
Molecular consequence: missense variant.
Genome position (GRCh38, 1-based): chr2:21,019,889, C>A on the plus strand (G>T on the coding strand, the complement: APOB is on the minus strand). VCF-style: chr2-21019889-C-A. GRCh37 (hg19) VCF-style: chr2-21242761-C-A.
Other names: c.2833G>T (NM_000384.2); short protein forms V945F.
Identifiers: ClinVar variation 2129894 (VCV002129894.6), dbSNP rs201764222, ClinGen allele CA057350.
Genomic context (GRCh38, chr2:21,019,889, plus strand): 5'-CTGACCAGGACTGCCTGTTCTCAATGAGAGGTGGGATCACCTCCGTTTTGGTGGTAGAGA[C>A]CAAATGTAATGTGTTGCTGGTGAAGAACAAAAATACCTGAGTTATTGCCAAGTCATGAAT-3'
Protein context (NP_000375.3, residues 935-955): LLSGGNTLHL[Val945Phe]STTKTEVIPP

ClinVar aggregate classification (germline): Conflicting classifications of pathogenicity. Review status: criteria provided, conflicting classifications (1 of 4 stars). 3 submissions from 3 submitters: Uncertain significance (2); Likely benign (1). Last evaluated 2025-03-05.

Conditions:
Cardiovascular phenotype. Identifiers: MedGen CN230736.
Familial hypobetalipoproteinemia 1. Also called: APOB-Related Familial Hypobetalipoproteinemia; Hypobetalipoproteinemia, normotriglyceridemic; Acanthocytosis with hypobetalipoproteinemia. Identifiers: MedGen C4551990, MONDO:0014252, OMIM 615558.
Hypercholesterolemia, autosomal dominant, type B (FHCL2). Also called: Hyperlipoproteinemia Type IIb; Familial Hypercholesterolemia Type B; APOLIPOPROTEIN B-100, FAMILIAL DEFECTIVE; APOLIPOPROTEIN B-100, FAMILIAL LIGAND-DEFECTIVE; HYPERCHOLESTEROLEMIA, FAMILIAL, DUE TO LIGAND-DEFECTIVE APOLIPOPROTEIN B; APOB-Related Familial Hypercholesterolemia, Autosomal Dominant. Identifiers: MedGen C1704417, MONDO:0007751, OMIM 144010.

Allele frequency attached by ClinVar (database versions not stated): gnomAD 0.00001; ExAC 0.00003; 1000 Genomes Project 0.00020; 1000 Genomes Project 30x 0.00031.
gnomAD v4.1: 14 of 1,614,124 alleles (0.00087%); highest among the groups gnomAD compares: Admixed American, 0.022%; no homozygotes.

Submissions (3):

GeneDx
Classification: Uncertain significance. Last evaluated: 2025-03-05. Review status: criteria provided, single submitter. Criteria: GeneDx Variant Classification Process June 2021. Collection method: clinical testing. Allele origin: germline. Affected: yes.
Comment: In silico analysis supports that this missense variant has a deleterious effect on protein structure/function; Has not been previously published as pathogenic or benign to our knowledge

Ambry Genetics
Classification: Uncertain significance for Cardiovascular phenotype. Last evaluated: 2024-10-28. Review status: criteria provided, single submitter. Criteria: Ambry Variant Classification Scheme 2023. Collection method: clinical testing. Allele origin: germline.
Comment: The p.V945F variant (also known as c.2833G>T), located in coding exon 19 of the APOB gene, results from a G to T substitution at nucleotide position 2833. The valine at codon 945 is replaced by phenylalanine, an amino acid with highly similar properties. This amino acid position is conserved. In addition, this alteration is predicted to be tolerated by in silico analysis. Based on the available evidence, the clinical significance of this variant remains unclear.

Labcorp Genetics (formerly Invitae), Labcorp
Classification: Likely benign for Familial hypobetalipoproteinemia 1; Hypercholesterolemia, autosomal dominant, type B. Last evaluated: 2023-07-27. Review status: criteria provided, single submitter. Criteria: Invitae Variant Classification Sherloc (09022015). Collection method: clinical testing. Allele origin: germline.